The following is an entry in ClinVar:

ClinVar aggregate classification (germline): Uncertain significance. Review status: criteria provided, multiple submitters, no conflicts (2 of 4 stars). 2 submissions from 2 submitters: Uncertain significance (2). Last evaluated 2025-11-11.

Conditions:
Ataxia-telangiectasia syndrome (AT). Also called: LOUIS-BAR SYNDROME; Cerebello-oculocutaneous telangiectasia; Immunodeficiency with ataxia telangiectasia; Ataxia-telangiectasia, complementation group D; AT, COMPLEMENTATION GROUP C; ATAXIA-TELANGIECTASIA, COMPLEMENTATION GROUP A. Identifiers: Orphanet 100, MedGen C0004135, MONDO:0008840, OMIM 208900.
Hereditary cancer-predisposing syndrome. Also called: Neoplastic Syndromes, Hereditary; Tumor predisposition; Hereditary Cancer Syndrome; Hereditary neoplastic syndrome. Identifiers: Orphanet 140162, MedGen C0027672, MeSH D009386, MONDO:0015356.

Submissions (2):

Labcorp Genetics (formerly Invitae), Labcorp
Classification: Uncertain significance for Ataxia-telangiectasia syndrome. Last evaluated: 2025-11-11. Review status: criteria provided, single submitter. Criteria: Invitae Variant Classification Sherloc (09022015). Collection method: clinical testing. Allele origin: germline.
Comment: This sequence change replaces tyrosine, which is neutral and polar, with serine, which is neutral and polar, at codon 1124 of the ATM protein (p.Tyr1124Ser). This variant is not present in population databases (gnomAD no frequency). This variant has not been reported in the literature in individuals affected with ATM-related conditions. ClinVar contains an entry for this variant (Variation ID: 1730741). Invitae Evidence Modeling of protein sequence and biophysical properties (such as structural, functional, and spatial information, amino acid conservation, physicochemical variation, residue mobility, and thermodynamic stability) indicates that this missense variant is not expected to disrupt ATM protein function with a negative predictive value of 95%. In summary, the available evidence is currently insufficient to determine the role of this variant in disease. Therefore, it has been classified as a Variant of Uncertain Significance.

Ambry Genetics
Classification: Uncertain significance for Hereditary cancer-predisposing syndrome. Last evaluated: 2024-09-06. Review status: criteria provided, single submitter. Criteria: Ambry Variant Classification Scheme 2023. Collection method: clinical testing. Allele origin: germline.
Comment: The p.Y1124S variant (also known as c.3371A>C), located in coding exon 22 of the ATM gene, results from an A to C substitution at nucleotide position 3371. The tyrosine at codon 1124 is replaced by serine, an amino acid with dissimilar properties. This amino acid position is well conserved in available vertebrate species. In addition, the in silico prediction for this alteration is inconclusive. Based on the available evidence, the clinical significance of this variant remains unclear.

NM_000051.4(ATM):c.3371A>C (p.Tyr1124Ser)

Gene: ATM (ATM serine/threonine kinase; plus strand). Cytogenetic location: 11q22.3.
Variant type: single nucleotide variant.
Coding change: c.3371A>C on transcript NM_000051.4 (MANE Select); coding-DNA position 3371, A replaced by C.
Protein change: p.Tyr1124Ser; replaces tyrosine 1124 with serine.
Molecular consequence: missense variant.
Genome position (GRCh38, 1-based): chr11:108,279,577, A>C. VCF-style: chr11-108279577-A-C. GRCh37 (hg19) VCF-style: chr11-108150304-A-C.
Other names: c.3371A>C, p.Tyr1124Ser (NM_001351834.2); short protein forms Y1124S.
Identifiers: ClinVar variation 1730741 (VCV001730741.8), dbSNP rs876660498, ClinGen allele CA382517700.